The following is an entry in ClinVar:

NM_024408.4(NOTCH2):c.5095A>C (p.Met1699Leu)

Gene: NOTCH2 (notch receptor 2; minus strand). Cytogenetic location: 1p12.
Variant type: single nucleotide variant.
Coding change: c.5095A>C on transcript NM_024408.4 (MANE Select); coding-DNA position 5095, A replaced by C.
Protein change: p.Met1699Leu; replaces methionine 1699 with leucine.
Molecular consequence: missense variant.
Genome position (GRCh38, 1-based): chr1:119,922,354, T>G on the plus strand (A>C on the coding strand, the complement: NOTCH2 is on the minus strand). VCF-style: chr1-119922354-T-G. GRCh37 (hg19) VCF-style: chr1-120464977-T-G.
Other names: short protein forms M1699L.
Identifiers: ClinVar variation 4995430 (VCV004995430.1).

ClinVar aggregate classification (germline): Uncertain significance (1 of 4 stars; one submission).

Conditions:
NOTCH2-related disorder. Also called: NOTCH2-related condition.

Submission:

PreventionGenetics, part of Exact Sciences
Classification: Uncertain significance for NOTCH2-related condition. Last evaluated: 2026-07-07. Review status: criteria provided, single submitter. Criteria: ACMG Guidelines, 2015. Collection method: clinical testing. Allele origin: germline.
Comment: The NOTCH2 c.5095A>C variant is predicted to result in the amino acid substitution p.Met1699Leu. To our knowledge, this variant has not been reported in the literature or in a large population database (gnomAD), indicating this variant is rare. At this time, the clinical significance of this variant is uncertain due to the absence of conclusive functional and genetic evidence.